The following is an entry in ClinVar:

NM_016302.4(CRBN):c.589G>A (p.Val197Ile)

Gene: CRBN (cereblon; minus strand). Cytogenetic location: 3p26.2.
Variant type: single nucleotide variant.
Coding change: c.589G>A on transcript NM_016302.4 (MANE Select); coding-DNA position 589, G replaced by A.
Protein change: p.Val197Ile; replaces valine 197 with isoleucine.
Molecular consequence: missense variant.
Genome position (GRCh38, 1-based): chr3:3,167,732, C>T on the plus strand (G>A on the coding strand, the complement: CRBN is on the minus strand). VCF-style: chr3-3167732-C-T. GRCh37 (hg19) VCF-style: chr3-3209416-C-T.
Other names: c.586G>A, p.Val196Ile (NM_001173482.1); short protein forms V196I, V197I.
Identifiers: ClinVar variation 3033619 (VCV003033619.2), dbSNP rs201974649, ClinGen allele CA2229235.

ClinVar aggregate classification (germline): Likely benign (0 of 4 stars; one submission).

Conditions:
CRBN-related disorder. Also called: CRBN-related condition.

Allele frequency attached by ClinVar (database versions not stated): gnomAD 0.00005; gnomAD exomes 0.00010; TOPMed 0.00018; ExAC 0.00032.

Submission:

PreventionGenetics, part of Exact Sciences
Classification: Likely benign for CRBN-related condition. Last evaluated: 2022-02-28. Review status: no assertion criteria provided. Collection method: clinical testing. Allele origin: germline.
Comment: This variant is classified as likely benign based on ACMG/AMP sequence variant interpretation guidelines (Richards et al. 2015 PMID: 25741868, with internal and published modifications).